The following is an entry in ClinVar:

ClinVar aggregate classification (germline): Likely benign (1 of 4 stars; one submission).

Allele frequency attached by ClinVar (database versions not stated): gnomAD 0.00018.

Submission:

CeGaT Center for Human Genetics Tuebingen
Classification: Likely benign. Last evaluated: 2023-03-01. Review status: criteria provided, single submitter. Criteria: CeGaT Center For Human Genetics Tuebingen Variant Classification Criteria Version 2. Collection method: clinical testing. Allele origin: germline. Affected: yes. Observed: 2 variant alleles.
Comment: ZEB2: BS1

NM_014795.4(ZEB2):c.*2387G>A

Gene: ZEB2 (zinc finger E-box binding homeobox 2; minus strand). Cytogenetic location: 2q22.3.
Variant type: single nucleotide variant.
Coding change: c.*2387G>A on transcript NM_014795.4 (MANE Select); 2387 bases downstream of the stop codon, G replaced by A.
Molecular consequence: 3 prime UTR variant.
Genome position (GRCh38, 1-based): chr2:144,387,064, C>T on the plus strand (G>A on the coding strand, the complement: ZEB2 is on the minus strand). VCF-style: chr2-144387064-C-T. GRCh37 (hg19) VCF-style: chr2-145144631-C-T.
Other names: c.*2387G>A (NM_001171653.2).
Identifiers: ClinVar variation 2651393 (VCV002651393.24), dbSNP rs199966315, ClinGen allele CA57547979.